The following is an entry in ClinVar:

ClinVar aggregate classification (germline): Likely pathogenic (1 of 4 stars; one submission).

Allele frequency attached by ClinVar (database versions not stated): gnomAD exomes below 0.00001.

Submission:

Labcorp Genetics (formerly Invitae), Labcorp
Classification: Likely pathogenic. Last evaluated: 2023-04-06. Review status: criteria provided, single submitter. Criteria: Invitae Variant Classification Sherloc (09022015). Collection method: clinical testing. Allele origin: germline.
Comment: This sequence change affects a splice site in intron 6 of the PHYH gene. It is expected to disrupt RNA splicing. Variants that disrupt the donor or acceptor splice site typically lead to a loss of protein function (PMID: 16199547), and loss-of-function variants in PHYH are known to be pathogenic (PMID: 9326940, 14974078). This variant is not present in population databases (gnomAD no frequency). This variant has not been reported in the literature in individuals affected with PHYH-related conditions. Algorithms developed to predict the effect of sequence changes on RNA splicing suggest that this variant may disrupt the consensus splice site. In summary, the currently available evidence indicates that the variant is pathogenic, but additional data are needed to prove that conclusively. Therefore, this variant has been classified as Likely Pathogenic.

Literature cited by the submitters: PubMed 16199547; PubMed 9326940; PubMed 14974078.

NM_006214.4(PHYH):c.679-2del

Gene: PHYH (phytanoyl-CoA 2-hydroxylase; minus strand). Cytogenetic location: 10p13.
Variant type: Deletion.
Coding change: c.679-2del on transcript NM_006214.4 (MANE Select); the canonical splice acceptor site of the intron before coding-DNA position 679, one base deleted (A; older notation c.679-2delA).
Molecular consequence: splice acceptor variant.
Genome position (GRCh38, 1-based): chr10:13,283,841, T deleted on the plus strand (A on the coding strand, the reverse complement: PHYH is on the minus strand). VCF-style (leftmost placement, unchanged base first): chr10-13283840-CT-C. GRCh37 (hg19) VCF-style: chr10-13325840-CT-C.
Other names: c.415-2del (NM_001323083.2); c.685-2del (NM_001323082.2); c.379-2del (NM_001037537.2, NM_001323080.2); c.385-2del (NM_001323084.2).
Identifiers: ClinVar variation 2997669 (VCV002997669.3), dbSNP rs2538635322, ClinGen allele CA2574492102.